The following is an entry in ClinVar:

ClinVar aggregate classification (germline): Conflicting classifications of pathogenicity. Review status: criteria provided, conflicting classifications (1 of 4 stars). 11 submissions from 10 submitters: Uncertain significance (3); Likely benign (6). 2 of the submissions do not count toward it. Last evaluated 2026-09-01.

Conditions:
Isolated thoracic aortic aneurysm.
Aortic aneurysm, familial thoracic 4 (AAT4). Also called: AORTIC ANEURYSM/AORTIC DISSECTION AND PATENT DUCTUS ARTERIOSUS. Identifiers: MedGen C1851504, MONDO:0007568, OMIM 132900.
MYH11-related disorder. Also called: MYH11-related condition.
Inborn genetic diseases. Identifiers: MedGen C0950123, MeSH D030342.
Familial thoracic aortic aneurysm and aortic dissection (TAAD). Also called: Thoracic aortic aneurysms and dissections. Identifiers: Orphanet 91387, MedGen C4707243, MONDO:0019625.

Allele frequency attached by ClinVar (database versions not stated): gnomAD 0.00007 and 0.00008; TOPMed 0.00008; ExAC 0.00013; gnomAD exomes 0.00017.
gnomAD v4.1: 97 of 1,613,950 alleles (0.006%); highest among the groups gnomAD compares: Admixed American, 0.033%; 1 homozygote.

Submissions (11):

CeGaT Center for Human Genetics Tuebingen
Classification: Likely benign. Last evaluated: 2026-09-01. Review status: criteria provided, single submitter. Criteria: CeGaT Center For Human Genetics Tuebingen Variant Classification Criteria Version 2. Collection method: clinical testing. Allele origin: germline. Affected: yes. Observed: 4 variant alleles.
Comment: MYH11: BS1

Labcorp Genetics (formerly Invitae), Labcorp
Classification: Likely benign for Aortic aneurysm, familial thoracic 4. Last evaluated: 2026-01-19. Review status: criteria provided, single submitter. Criteria: Invitae Variant Classification Sherloc (09022015). Collection method: clinical testing. Allele origin: germline.

Mayo Clinic Laboratories, Mayo Clinic
Classification: Uncertain significance. Last evaluated: 2025-11-09. Review status: criteria provided, single submitter. Criteria: ACMG Guidelines, 2015. Collection method: clinical testing. Allele origin: germline. Observed: 1 variant allele.
Comment: BS1

Ambry Genetics
Classification: Likely benign for Familial thoracic aortic aneurysm and aortic dissection. Last evaluated: 2024-08-29. Review status: criteria provided, single submitter. Criteria: Ambry Variant Classification Scheme 2023. Collection method: clinical testing. Allele origin: germline.

Ambry Genetics
Classification: Likely benign for Inborn genetic diseases. Last evaluated: 2024-08-21. Review status: criteria provided, single submitter. Criteria: Ambry Variant Classification Scheme 2023. Collection method: clinical testing. Allele origin: germline.

Fulgent Genetics
Classification: Uncertain significance for Aortic aneurysm, familial thoracic 4. Last evaluated: 2018-10-31. Review status: criteria provided, single submitter. Criteria: ACMG Guidelines, 2015. Collection method: clinical testing. Allele origin: unknown.

GeneDx
Classification: Likely benign. Last evaluated: 2018-09-10. Review status: criteria provided, single submitter. Criteria: GeneDx Variant Classification Process June 2021. Collection method: clinical testing. Allele origin: germline. Affected: yes.

Department of Vascular Biology, Beijing Anzhen Hospital
Classification: Uncertain significance for Isolated thoracic aortic aneurysm. Last evaluated: 2018-09-01. Review status: criteria provided, single submitter. Criteria: ACMG Guidelines, 2015. Collection method: research. Allele origin: germline. Affected: yes.

Color Diagnostics, LLC DBA Color Health
Classification: Likely benign for Familial thoracic aortic aneurysm and aortic dissection. Last evaluated: 2018-06-11. Review status: criteria provided, single submitter. Criteria: ACMG Guidelines, 2015. Collection method: clinical testing. Allele origin: germline.

PreventionGenetics, part of Exact Sciences
Classification: Likely benign for MYH11-related condition. Last evaluated: 2024-08-07. Review status: no assertion criteria provided. Collection method: clinical testing. Allele origin: germline. Not counted in ClinVar's aggregate classification.
Comment: This variant is classified as likely benign based on ACMG/AMP sequence variant interpretation guidelines (Richards et al. 2015 PMID: 25741868, with internal and published modifications).

Knight Diagnostic Laboratories, Oregon Health and Sciences University
Classification: Uncertain significance for Aortic aneurysm, familial thoracic 4. Last evaluated: 2016-03-30. Review status: no assertion criteria provided. Criteria: ACMG Guidelines, 2015. Collection method: clinical testing. Allele origin: germline. Affected: no. Study: CSER-NextGen. Not counted in ClinVar's aggregate classification.

Literature cited by the submitters: PubMed 33824467 (cited by Mayo Clinic Laboratories, Mayo Clinic and Ambry Genetics).

NM_002474.3(MYH11):c.5732C>T (p.Thr1911Met)

Genes: MYH11 (myosin heavy chain 11; minus strand), NDE1 (nudE neurodevelopment protein 1; plus strand). Cytogenetic location: 16p13.11.
Variant type: single nucleotide variant.
Coding change: c.5732C>T on transcript NM_002474.3 (MANE Select); coding-DNA position 5732, C replaced by T.
Protein change: p.Thr1911Met; replaces threonine 1911 with methionine.
Molecular consequence: missense variant. On other transcripts: intron variant (2).
Genome position (GRCh38, 1-based): chr16:15,714,963, G>A on the plus strand (C>T on the coding strand, the complement: MYH11 is on the minus strand). VCF-style: chr16-15714963-G-A. GRCh37 (hg19) VCF-style: chr16-15808820-G-A.
Other names: p.Thr1918Met; c.948-9228G>A (NM_001143979.1, NM_001143979.2, NM_017668.3); c.5753C>T, p.Thr1918Met (NM_001040113.2, NM_001040114.2); c.5732C>T, p.Thr1911Met (NM_022844.3); short protein forms T1918M, T1911M.
Identifiers: ClinVar variation 374963 (VCV000374963.41), dbSNP rs748516947, ClinGen allele CA7921155.
Genomic context (GRCh38, chr16:15,714,963, plus strand): 5'-CCTCACCTGAGCTTGCTCTTGAGTGCGTTCACCTCGCGGCCCATGGCCTCGTTGCTCTCC[G>A]TGGCCTCATCCAGCTCCCGCTGCAGCTTCCTGCGGTTGGCGTTGATGCGCTGGGACTCCT-3'
Protein context (NP_002465.1, residues 1901-1921): RKLQRELDEA[Thr1911Met]ESNEAMGREV